The following is an entry in ClinVar:

ClinVar aggregate classification (germline): Pathogenic/Likely pathogenic. Review status: criteria provided, multiple submitters, no conflicts (2 of 4 stars). 4 submissions from 4 submitters: Pathogenic (1); Likely pathogenic (3). Last evaluated 2025-12-17.

Conditions:
Pulmonary hypertension, neonatal, susceptibility to (PHN). Identifiers: MedGen C3714958, MONDO:0014151, OMIM 615371.
Congenital hyperammonemia, type I. Also called: Carbamoyl-phosphate synthase I deficiency; CPS I DEFICIENCY; Carbamoyl phosphate synthetase I deficiency disease; Carbamoyl phosphate synthetase 1 deficiency; Hyperammonemia due to carbamoyl phosphate synthetase 1 deficiency; CPS 1 deficiency. Identifiers: Orphanet 147, MedGen C4082171, MONDO:0009376, OMIM 237300.

Allele frequency attached by ClinVar (database versions not stated): gnomAD exomes below 0.00001; ExAC 0.00001.
gnomAD v4.1: 2 of 1,612,386 alleles (0.00012%); highest among the groups gnomAD compares: Non-Finnish European, 0.00017%; no homozygotes.

Submissions (4):

Labcorp Genetics (formerly Invitae), Labcorp
Classification: Likely pathogenic for Congenital hyperammonemia, type I. Last evaluated: 2025-12-17. Review status: criteria provided, single submitter. Criteria: Invitae Variant Classification Sherloc (09022015). Collection method: clinical testing. Allele origin: germline.
Comment: This sequence change affects a donor splice site in intron 27 of the CPS1 gene. It is expected to disrupt RNA splicing. Variants that disrupt the donor or acceptor splice site typically lead to a loss of protein function (PMID: 16199547), and loss-of-function variants in CPS1 are known to be pathogenic (PMID: 21120950). The frequency data for this variant in the population databases is considered unreliable, as metrics indicate poor data quality at this position in the gnomAD database. This variant has not been reported in the literature in individuals affected with CPS1-related conditions. ClinVar contains an entry for this variant (Variation ID: 2680898). Algorithms developed to predict the effect of sequence changes on RNA splicing suggest that this variant may disrupt the consensus splice site. In summary, the currently available evidence indicates that the variant is pathogenic, but additional data are needed to prove that conclusively. Therefore, this variant has been classified as Likely Pathogenic.

Myriad Genetics, Inc.
Classification: Likely pathogenic for Congenital hyperammonemia, type I. Last evaluated: 2025-03-05. Review status: criteria provided, single submitter. Criteria: Myriad Autosomal Dominant, Autosomal Recessive and X-Linked Classification Criteria (2023). Collection method: clinical testing. Allele origin: unknown.
Comment: NM_001875.4(CPS1):c.3404+1G>A is a variant in a canonical splice site classified as likely pathogenic in the context of carbamoylphosphate synthetase I deficiency. c.3404+1G>A has been observed in a case with relevant disease (PMID: 22173106). Relevant functional assessments of this variant are not available in the literature. c.3404+1G>A has been observed in referenced population frequency databases. In summary, NM_001875.4(CPS1):c.3404+1G>A is a variant in a canonical splice site that has been observed more frequently in cases with the relevant disease than in healthy populations. Please note: this variant was assessed in the context of healthy population screening.

Fulgent Genetics
Classification: Likely pathogenic for Congenital hyperammonemia, type I; Pulmonary hypertension, neonatal, susceptibility to. Last evaluated: 2023-12-29. Review status: criteria provided, single submitter. Criteria: ACMG Guidelines, 2015. Collection method: clinical testing. Allele origin: germline.

Baylor Genetics
Classification: Pathogenic for Pulmonary hypertension, neonatal, susceptibility to. Last evaluated: 2023-03-16. Review status: criteria provided, single submitter. Criteria: ACMG Guidelines, 2015. Collection method: clinical testing. Allele origin: unknown.

Literature cited by the submitters: PubMed 16199547 (cited by Labcorp Genetics (formerly Invitae), Labcorp); PubMed 21120950 (cited by Labcorp Genetics (formerly Invitae), Labcorp); PubMed 22173106 (cited by Myriad Genetics, Inc.).

NM_001875.5(CPS1):c.3404+1G>A

Gene: CPS1 (carbamoyl-phosphate synthase 1; plus strand). Cytogenetic location: 2q34.
Variant type: single nucleotide variant.
Coding change: c.3404+1G>A on transcript NM_001875.5 (MANE Select); the canonical splice donor site of the intron after coding-DNA position 3404, G replaced by A.
Molecular consequence: splice donor variant.
Genome position (GRCh38, 1-based): chr2:210,648,541, G>A. VCF-style: chr2-210648541-G-A. GRCh37 (hg19) VCF-style: chr2-211513265-G-A.
Other names: c.3404+1G>A (NM_001369257.1, NM_001122633.3); c.3437+1G>A (NM_001369256.1).
Identifiers: ClinVar variation 2680898 (VCV002680898.4), dbSNP rs761328915, ClinGen allele CA2086913.